The following is an entry in ClinVar:

ClinVar aggregate classification (germline): Uncertain significance (1 of 4 stars; one submission).

Conditions:
Encephalopathy, acute, infection-induced (herpes-specific), susceptibility to, 1. Also called: Herpes simplex encephalitis, susceptibility to, 1. Identifiers: Orphanet 1930, MedGen C2750180, MONDO:0024563, OMIM 610551.

Submission:

Labcorp Genetics (formerly Invitae), Labcorp
Classification: Uncertain significance for Encephalopathy, acute, infection-induced (herpes-specific), susceptibility to, 1. Last evaluated: 2024-05-09. Review status: criteria provided, single submitter. Criteria: Invitae Variant Classification Sherloc (09022015). Collection method: clinical testing. Allele origin: germline.
Comment: This sequence change replaces leucine, which is neutral and non-polar, with proline, which is neutral and non-polar, at codon 438 of the TLR3 protein (p.Leu438Pro). This variant is not present in population databases (gnomAD no frequency). This variant has not been reported in the literature in individuals affected with TLR3-related conditions. An algorithm developed to predict the effect of missense changes on protein structure and function (PolyPhen-2) suggests that this variant is likely to be disruptive. In summary, the available evidence is currently insufficient to determine the role of this variant in disease. Therefore, it has been classified as a Variant of Uncertain Significance.

NM_003265.3(TLR3):c.1313T>C (p.Leu438Pro)

Gene: TLR3 (toll like receptor 3; plus strand). Cytogenetic location: 4q35.1.
Variant type: single nucleotide variant.
Coding change: c.1313T>C on transcript NM_003265.3 (MANE Select); coding-DNA position 1313, T replaced by C.
Protein change: p.Leu438Pro; replaces leucine 438 with proline.
Molecular consequence: missense variant.
Genome position (GRCh38, 1-based): chr4:186,082,999, T>C. VCF-style: chr4-186082999-T-C. GRCh37 (hg19) VCF-style: chr4-187004153-T-C.
Other names: short protein forms L438P.
Identifiers: ClinVar variation 3652785 (VCV003652785.2).